The following is an entry in ClinVar:

NM_001105206.3(LAMA4):c.410C>T (p.Pro137Leu)

Gene: LAMA4 (laminin subunit alpha 4; minus strand). Cytogenetic location: 6q21.
Variant type: single nucleotide variant.
Coding change: c.410C>T on transcript NM_001105206.3 (MANE Select); coding-DNA position 410, C replaced by T.
Protein change: p.Pro137Leu; replaces proline 137 with leucine.
Molecular consequence: missense variant.
Genome position (GRCh38, 1-based): chr6:112,207,033, G>A on the plus strand (C>T on the coding strand, the complement: LAMA4 is on the minus strand). VCF-style: chr6-112207033-G-A. GRCh37 (hg19) VCF-style: chr6-112528234-G-A.
Other names: c.410C>T, p.Pro137Leu (NM_001105207.3, NM_002290.5); short protein forms P137L.
Identifiers: ClinVar variation 2562635 (VCV002562635.2), dbSNP rs782576711, ClinGen allele CA365380752.

ClinVar aggregate classification (germline): Uncertain significance (1 of 4 stars; one submission).

Conditions:
Cardiovascular phenotype. Identifiers: MedGen CN230736.

gnomAD v4.1: 3 of 1,613,884 alleles (0.00019%); highest among the groups gnomAD compares: Non-Finnish European, 0.00025%; no homozygotes.

Submission:

Ambry Genetics
Classification: Uncertain significance for Cardiovascular phenotype. Last evaluated: 2023-05-22. Review status: criteria provided, single submitter. Criteria: Ambry Variant Classification Scheme 2023. Collection method: clinical testing. Allele origin: germline.
Comment: The p.P137L variant (also known as c.410C>T), located in coding exon 3 of the LAMA4 gene, results from a C to T substitution at nucleotide position 410. The proline at codon 137 is replaced by leucine, an amino acid with similar properties. This amino acid position is conserved. In addition, the in silico prediction for this alteration is inconclusive. Since supporting evidence is limited at this time, the clinical significance of this alteration remains unclear.